The following is an entry in ClinVar:

NM_000257.4(MYH7):c.615C>A (p.Ser205Arg)

Gene: MYH7 (myosin heavy chain 7; minus strand). Cytogenetic location: 14q11.2.
Variant type: single nucleotide variant.
Coding change: c.615C>A on transcript NM_000257.4 (MANE Select); coding-DNA position 615, C replaced by A.
Protein change: p.Ser205Arg; replaces serine 205 with arginine.
Molecular consequence: missense variant.
Genome position (GRCh38, 1-based): chr14:23,431,785, G>T on the plus strand (C>A on the coding strand, the complement: MYH7 is on the minus strand). VCF-style: chr14-23431785-G-T. GRCh37 (hg19) VCF-style: chr14-23900994-G-T.
Other names: c.615C>A, p.Ser205Arg (NM_001407004.1); short protein forms S205R.
Identifiers: ClinVar variation 2779943 (VCV002779943.3), dbSNP rs2502313664, ClinGen allele CA389052421.

ClinVar aggregate classification (germline): Uncertain significance (1 of 4 stars; one submission).

Conditions:
Hypertrophic cardiomyopathy. Also called: HYPERTROPHIC MYOCARDIOPATHY. Identifiers: Orphanet 217569, MedGen C0007194, MeSH D002312, MONDO:0005045, HP:0001639.

Submission:

Labcorp Genetics (formerly Invitae), Labcorp
Classification: Uncertain significance for Hypertrophic cardiomyopathy. Last evaluated: 2023-03-11. Review status: criteria provided, single submitter. Criteria: Invitae Variant Classification Sherloc (09022015). Collection method: clinical testing. Allele origin: germline.
Comment: Advanced modeling of protein sequence and biophysical properties (such as structural, functional, and spatial information, amino acid conservation, physicochemical variation, residue mobility, and thermodynamic stability) performed at Invitae indicates that this missense variant is expected to disrupt MYH7 protein function. This variant has not been reported in the literature in individuals affected with MYH7-related conditions. In summary, the available evidence is currently insufficient to determine the role of this variant in disease. Therefore, it has been classified as a Variant of Uncertain Significance. This variant is found within a region of MYH7 between codons 181 and 937 that contains the majority of the myosin head domain. Missense variants in this region have been shown to be significantly overrepresented in individuals with hypertrophic cardiomyopathy (PMID: 27532257). This variant is not present in population databases (gnomAD no frequency). This sequence change replaces serine, which is neutral and polar, with arginine, which is basic and polar, at codon 205 of the MYH7 protein (p.Ser205Arg).

Literature cited by the submitters: PubMed 27532257.